The following is an entry in ClinVar:

ClinVar aggregate classification (germline): Benign/Likely benign. Review status: criteria provided, multiple submitters, no conflicts (2 of 4 stars). 13 submissions from 13 submitters: Benign (11); Likely benign (1). 1 of the submissions does not count toward it. Last evaluated 2026-02-04.

Conditions:
Retinal dystrophy. Also called: Inherited retinal dystrophy. Identifiers: Orphanet 71862, MedGen C0854723, MeSH D058499, MONDO:0019118, HP:0000556.
Retinitis pigmentosa 39 (RP39). Identifiers: Orphanet 791, MedGen C3151138, MONDO:0013436, OMIM 613809.
Usher syndrome type 2A. Also called: RETINAL DISEASE IN USHER SYNDROME TYPE IIA, MODIFIER OF; USHER SYNDROME, TYPE IIA. Identifiers: Orphanet 231178, Orphanet 886, MedGen C1848634, MONDO:0010169, OMIM 276901.

Allele frequency attached by ClinVar (database versions not stated): TOPMed 0.19147; gnomAD exomes 0.21452 and 0.19146; 1000 Genomes Project 0.14457; 1000 Genomes Project 30x 0.14538; ExAC 0.19185; ESP Exome Variant Server 0.20245; gnomAD 0.19033.
gnomAD v4.1: 340,213 of 1,605,504 alleles (21%); highest among the groups gnomAD compares: Non-Finnish European, 23%; 37,953 homozygotes.

Submissions (13):

Labcorp Genetics (formerly Invitae), Labcorp
Classification: Benign. Last evaluated: 2026-02-04. Review status: criteria provided, single submitter. Criteria: Invitae Variant Classification Sherloc (09022015). Collection method: clinical testing. Allele origin: germline.

Blueprint Genetics
Classification: Benign. Last evaluated: 2024-11-26. Review status: criteria provided, single submitter. Criteria: ACMG Guidelines, 2015. Collection method: clinical testing. Allele origin: germline.

Dept Of Ophthalmology, Nagoya University
Classification: Benign for Retinal dystrophy. Last evaluated: 2023-10-01. Review status: criteria provided, single submitter. Criteria: Submitter's publication. Collection method: research. Allele origin: germline. Affected: yes.

Women's Health and Genetics/Laboratory Corporation of America, LabCorp
Classification: Likely benign. Last evaluated: 2023-04-16. Review status: criteria provided, single submitter. Criteria: LabCorp Variant Classification Summary - May 2015. Collection method: clinical testing. Allele origin: germline.

Fulgent Genetics
Classification: Benign for Usher syndrome type 2A; Retinitis pigmentosa 39. Last evaluated: 2021-10-25. Review status: criteria provided, single submitter. Criteria: ACMG Guidelines, 2015. Collection method: clinical testing. Allele origin: unknown.

Genome-Nilou Lab
Classification: Benign for Usher syndrome type 2A. Last evaluated: 2021-07-01. Review status: criteria provided, single submitter. Criteria: ACMG Guidelines, 2015. Collection method: clinical testing. Allele origin: germline. Affected: no.

Mayo Clinic Laboratories, Mayo Clinic
Classification: Benign. Last evaluated: 2020-10-20. Review status: criteria provided, single submitter. Criteria: ACMG Guidelines, 2015. Collection method: clinical testing. Allele origin: germline. Observed: 53 variant alleles.

Mendelics
Classification: Benign for Usher syndrome type 2A. Last evaluated: 2019-05-28. Review status: criteria provided, single submitter. Criteria: Mendelics Assertion Criteria 2017. Collection method: clinical testing. Allele origin: unknown.

GeneDx
Classification: Benign. Last evaluated: 2013-08-19. Review status: criteria provided, single submitter. Criteria: GeneDx Variant Classification (06012015). Collection method: clinical testing. Allele origin: germline. Affected: yes.
Comment: This variant is considered likely benign or benign based on one or more of the following criteria: it is a conservative change, it occurs at a poorly conserved position in the protein, it is predicted to be benign by multiple in silico algorithms, and/or has population frequency not consistent with disease.

Laboratory for Molecular Medicine, Mass General Brigham Personalized Medicine
Classification: Benign. Last evaluated: 2008-02-19. Review status: criteria provided, single submitter. Criteria: LMM Criteria. Collection method: clinical testing. Allele origin: germline. Observed: 816 variant alleles.

Breakthrough Genomics
Classification: Benign. Review status: criteria provided, single submitter. Criteria: ACMG Guidelines, 2015. Collection method: not provided. Allele origin: germline. Inheritance: Autosomal recessive inheritance. Affected: yes.

PreventionGenetics, part of Exact Sciences
Classification: Benign. Review status: criteria provided, single submitter. Criteria: ACMG Guidelines, 2015. Collection method: clinical testing. Allele origin: germline.

Natera, Inc.
Classification: Benign for Usher syndrome type 2A. Last evaluated: 2020-09-16. Review status: no assertion criteria provided. Collection method: clinical testing. Allele origin: germline. Not counted in ClinVar's aggregate classification.

NM_206933.4(USH2A):c.11504C>T (p.Thr3835Ile)

Gene: USH2A (usherin; minus strand). Cytogenetic location: 1q41.
Variant type: single nucleotide variant.
Coding change: c.11504C>T on transcript NM_206933.4 (MANE Select); coding-DNA position 11504, C replaced by T.
Protein change: p.Thr3835Ile; replaces threonine 3835 with isoleucine.
Molecular consequence: missense variant.
Genome position (GRCh38, 1-based): chr1:215,743,221, G>A on the plus strand (C>T on the coding strand, the complement: USH2A is on the minus strand). VCF-style: chr1-215743221-G-A. GRCh37 (hg19) VCF-style: chr1-215916563-G-A.
Other names: p.T3835I:ACT>ATT; short protein forms T3835I.
Identifiers: ClinVar variation 48377 (VCV000048377.26), dbSNP rs11120616, ClinGen allele CA143259.